The following is an entry in ClinVar:

NM_019074.4(DLL4):c.897G>A (p.Thr299=)

Gene: DLL4 (delta like canonical Notch ligand 4; plus strand). Cytogenetic location: 15q15.1.
Variant type: single nucleotide variant.
Coding change: c.897G>A on transcript NM_019074.4 (MANE Select); coding-DNA position 897, G replaced by A.
Protein change: p.Thr299=; no amino-acid change (threonine 299 retained).
Molecular consequence: synonymous variant.
Genome position (GRCh38, 1-based): chr15:40,934,594, G>A. VCF-style: chr15-40934594-G-A. GRCh37 (hg19) VCF-style: chr15-41226792-G-A.
Identifiers: ClinVar variation 725567 (VCV000725567.16), dbSNP rs374507826, ClinGen allele CA7487803.

ClinVar aggregate classification (germline): Benign/Likely benign. Review status: criteria provided, multiple submitters, no conflicts (2 of 4 stars). 5 submissions from 5 submitters: Benign (1); Likely benign (3). 1 of the submissions does not count toward it. Last evaluated 2026-01-01.

Conditions:
DLL4-related disorder. Also called: DLL4-related condition.

Allele frequency attached by ClinVar (database versions not stated): gnomAD exomes 0.00015 and 0.00026; ExAC 0.00028; gnomAD 0.00033 and 0.00036; TOPMed 0.00036; ESP Exome Variant Server 0.00062.
gnomAD v4.1: 280 of 1,613,892 alleles (0.017%); highest among the groups gnomAD compares: Middle Eastern, 0.15%; 1 homozygote.

Submissions (5):

CeGaT Center for Human Genetics Tuebingen
Classification: Likely benign. Last evaluated: 2026-01-01. Review status: criteria provided, single submitter. Criteria: CeGaT Center For Human Genetics Tuebingen Variant Classification Criteria Version 2. Collection method: clinical testing. Allele origin: germline. Affected: yes. Observed: 1 variant allele.
Comment: DLL4: BP4, BP7

Labcorp Genetics (formerly Invitae), Labcorp
Classification: Benign. Last evaluated: 2025-10-02. Review status: criteria provided, single submitter. Criteria: Invitae Variant Classification Sherloc (09022015). Collection method: clinical testing. Allele origin: germline.

GeneDx
Classification: Likely benign. Last evaluated: 2020-08-07. Review status: criteria provided, single submitter. Criteria: GeneDx Variant Classification Process June 2021. Collection method: clinical testing. Allele origin: germline. Affected: yes.

Breakthrough Genomics
Classification: Likely benign. Review status: criteria provided, single submitter. Criteria: ACMG Guidelines, 2015. Collection method: not provided. Allele origin: germline. Inheritance: Autosomal dominant inheritance. Affected: yes.

PreventionGenetics, part of Exact Sciences
Classification: Likely benign for DLL4-related condition. Last evaluated: 2019-07-29. Review status: no assertion criteria provided. Collection method: clinical testing. Allele origin: germline. Not counted in ClinVar's aggregate classification.
Comment: This variant is classified as likely benign based on ACMG/AMP sequence variant interpretation guidelines (Richards et al. 2015 PMID: 25741868, with internal and published modifications).